The following is an entry in ClinVar:

NM_001040436.3(YARS2):c.616dup (p.Leu206fs)

Gene: YARS2 (tyrosyl-tRNA synthetase 2; minus strand). Cytogenetic location: 12p11.21.
Variant type: Duplication.
Coding change: c.616dup on transcript NM_001040436.3 (MANE Select); coding-DNA position 616, one base duplicated (C; older notation c.616dupC).
Protein change: p.Leu206fs; shifts the reading frame from leucine 206.
Molecular consequence: frameshift variant.
Genome position (GRCh38, 1-based): chr12:32,755,259, G duplicated on the plus strand (C on the coding strand, the reverse complement: YARS2 is on the minus strand). VCF-style (leftmost placement, unchanged base first): chr12-32755258-A-AG. GRCh37 (hg19) VCF-style: chr12-32908192-A-AG.
Other names: c.616dupC (NM_001040436.2); short protein forms L206fs.
Identifiers: ClinVar variation 426674 (VCV000426674.2), dbSNP rs1085307738, ClinGen allele CA645294068.
Genomic context (GRCh38, chr12:32,755,258, plus strand): 5'-GCCTGGAGCACCTGGTAAAAGAACTCGGCCAAGCTCATGCCCTCGGGGCTCTTGAGCCGC[A>AG]GCTGCACGCTCTGCCGGCTCAGCAGCGTCCCCATGCGGAAGTGACCCCCCACTGCCGCCA-3'

ClinVar aggregate classification (germline): Likely pathogenic (1 of 4 stars; one submission).

Allele frequency attached by ClinVar (database versions not stated): gnomAD exomes below 0.00001.

Submission:

GeneDx
Classification: Likely pathogenic. Last evaluated: 2017-04-07. Review status: criteria provided, single submitter. Criteria: GeneDx Variant Classification (06012015). Collection method: clinical testing. Allele origin: germline. Affected: yes.
Comment: The c.616dupC variant in the YARS2 gene has not been reported previously as a pathogenic variant nor as a benign variant, to our knowledge. The c.616dupC variant causes a frameshift starting with codon Leucine 206, changes this amino acid to a Proline residue, and creates a premature Stop codon at position 23 of the new reading frame, denoted p.Leu206ProfsX23. This variant is predicted to cause loss of normal protein function either through protein truncation or nonsense-mediated mRNA decay. The c.616dupC variant is not observed in large population cohorts (Lek et al., 2016; 1000 Genomes Consortium et al., 2015; Exome Variant Server). We interpret c.616dupC as a likely pathogenic variant.